The following is an entry in ClinVar:

ClinVar aggregate classification (germline): Conflicting classifications of pathogenicity. Review status: criteria provided, conflicting classifications (1 of 4 stars). 2 submissions from 2 submitters: Uncertain significance (1); Likely benign (1). Last evaluated 2025-02-13.

Allele frequency attached by ClinVar (database versions not stated): gnomAD exomes 0.00001.
gnomAD v4.1: 3 of 1,609,128 alleles (0.00019%); highest among the groups gnomAD compares: Non-Finnish European, 0.00025%; no homozygotes.

Submissions (2):

Labcorp Genetics (formerly Invitae), Labcorp
Classification: Likely benign. Last evaluated: 2025-02-13. Review status: criteria provided, single submitter. Criteria: Invitae Variant Classification Sherloc (09022015). Collection method: clinical testing. Allele origin: germline.

GeneDx
Classification: Uncertain significance. Last evaluated: 2024-06-24. Review status: criteria provided, single submitter. Criteria: GeneDx Variant Classification Process June 2021. Collection method: clinical testing. Allele origin: germline. Affected: yes.
Comment: Not observed at significant frequency in large population cohorts (gnomAD); In silico analysis supports that this missense variant has a deleterious effect on protein structure/function; Has not been previously published as pathogenic or benign to our knowledge

NM_001205293.3(CACNA1E):c.6806C>A (p.Ala2269Asp)

Gene: CACNA1E (calcium voltage-gated channel subunit alpha1 E; plus strand). Cytogenetic location: 1q25.3.
Variant type: single nucleotide variant.
Coding change: c.6806C>A on transcript NM_001205293.3 (MANE Select); coding-DNA position 6806, C replaced by A.
Protein change: p.Ala2269Asp; replaces alanine 2269 with aspartic acid.
Molecular consequence: missense variant.
Genome position (GRCh38, 1-based): chr1:181,798,698, C>A. VCF-style: chr1-181798698-C-A. GRCh37 (hg19) VCF-style: chr1-181767834-C-A.
Other names: c.6677C>A, p.Ala2226Asp (NM_000721.4); c.6620C>A, p.Ala2207Asp (NM_001205294.2); c.6677C>A (NM_000721.3); short protein forms A2269D, A2207D, A2226D.
Identifiers: ClinVar variation 2996268 (VCV002996268.4), dbSNP rs2525534950, ClinGen allele CA343845558.
Genomic context (GRCh38, chr1:181,798,698, plus strand): 5'-CGCTCACTTTCGAAGCAGCCGTGGCTACTAGCCTGGGCCGTTCCAACACCATCGGCTCAG[C>A]CCCACCCCTGCGGCATAGCTGGCAGATGCCCAACGGGCACTATCGGCGGCGGAGGCGCGG-3'
Protein context (NP_001192222.1, residues 2259-2279): SLGRSNTIGS[Ala2269Asp]PPLRHSWQMP